The following is an entry in ClinVar:

NM_001349253.2(SCN11A):c.859del (p.Asp287fs)

Gene: SCN11A (sodium voltage-gated channel alpha subunit 11; minus strand). Cytogenetic location: 3p22.2.
Variant type: Deletion.
Coding change: c.859del on transcript NM_001349253.2 (MANE Select); coding-DNA position 859, one base deleted (G; older notation c.859delG).
Protein change: p.Asp287fs; shifts the reading frame from aspartic acid 287.
Molecular consequence: frameshift variant.
Genome position (GRCh38, 1-based): chr3:38,921,109, C deleted on the plus strand (G on the coding strand, the reverse complement: SCN11A is on the minus strand); the first of 3 consecutive C bases (chr3:38,921,109-38,921,111); deleting any one gives the same sequence. VCF-style (leftmost placement, unchanged base first): chr3-38921108-TC-T. GRCh37 (hg19) VCF-style: chr3-38962599-TC-T.
Other names: c.859del, p.Asp287fs (NM_014139.3); short protein forms D287fs.
Identifiers: ClinVar variation 2946838 (VCV002946838.3), dbSNP rs2470631690, ClinGen allele CA2740094359.

ClinVar aggregate classification (germline): Uncertain significance (1 of 4 stars; one submission).

Conditions:
Hereditary sensory and autonomic neuropathy type 7. Also called: HSAN VII; Neuropathy, hereditary sensory and autonomic, type VII. Identifiers: Orphanet 391397, MedGen C3809882, MONDO:0014244, OMIM 615548.
Familial episodic pain syndrome with predominantly lower limb involvement. Also called: Episodic pain syndrome, familial, 3. Identifiers: Orphanet 391384, Orphanet 391392, MedGen C3809899, MONDO:0014247, OMIM 615552.

Submission:

Labcorp Genetics (formerly Invitae), Labcorp
Classification: Uncertain significance for Familial episodic pain syndrome with predominantly lower limb involvement; Hereditary sensory and autonomic neuropathy type 7. Last evaluated: 2023-04-16. Review status: criteria provided, single submitter. Criteria: Invitae Variant Classification Sherloc (09022015). Collection method: clinical testing. Allele origin: germline.
Comment: This variant has not been reported in the literature in individuals affected with SCN11A-related conditions. This sequence change creates a premature translational stop signal (p.Asp287Thrfs*69) in the SCN11A gene. It is expected to result in an absent or disrupted protein product. However, the current clinical and genetic evidence is not sufficient to establish whether loss-of-function variants in SCN11A cause disease. This variant is not present in population databases (gnomAD no frequency). Experimental studies and prediction algorithms are not available or were not evaluated, and the functional significance of this variant is currently unknown. In summary, the available evidence is currently insufficient to determine the role of this variant in disease. Therefore, it has been classified as a Variant of Uncertain Significance.